The following is an entry in ClinVar:

ClinVar aggregate classification (germline): Uncertain significance (1 of 4 stars; one submission).

gnomAD v4.1: 1 of 1,613,826 alleles (0.000062%); highest among the groups gnomAD compares: Non-Finnish European, 0.000085%; no homozygotes.

Submission:

Athena Diagnostics
Classification: Uncertain significance. Last evaluated: 2024-03-26. Review status: criteria provided, single submitter. Criteria: Athena Diagnostics Criteria. Collection method: clinical testing. Allele origin: unknown.
Comment: Available data are insufficient to determine the clinical significance of the variant at this time. This variant has not been reported in large, multi-ethnic general populations. Computational tools disagree on the variant's effect on normal protein function.

Literature cited by the submitters: PubMed 32958805.

NM_020247.5(COQ8A):c.1353C>A (p.Phe451Leu)

Gene: COQ8A (coenzyme Q8A; plus strand). Cytogenetic location: 1q42.13.
Variant type: single nucleotide variant.
Coding change: c.1353C>A on transcript NM_020247.5 (MANE Select); coding-DNA position 1353, C replaced by A.
Protein change: p.Phe451Leu; replaces phenylalanine 451 with leucine.
Molecular consequence: missense variant.
Genome position (GRCh38, 1-based): chr1:226,984,190, C>A. VCF-style: chr1-226984190-C-A. GRCh37 (hg19) VCF-style: chr1-227171891-C-A.
Other names: short protein forms F451L.
Identifiers: ClinVar variation 3571666 (VCV003571666.1).